The following is an entry in ClinVar:

ClinVar aggregate classification (germline): Likely pathogenic (1 of 4 stars; one submission).

Conditions:
Hereditary hemorrhagic telangiectasia (HHT). Also called: ORW DISEASE; Osler Weber Rendu syndrome; OSLER-RENDU-WEBER DISEASE; Osler hemorrhagic telangiectasia syndrome. Identifiers: Orphanet 774, MedGen C0039445, MONDO:0019180. Disease mechanism: loss of function.

Allele frequency attached by ClinVar (database versions not stated): TOPMed below 0.00001; ExAC 0.00001; gnomAD 0.00001.
gnomAD v4.1: 6 of 1,610,266 alleles (0.00037%); highest among the groups gnomAD compares: South Asian, 0.0055%; no homozygotes.

Submission:

Labcorp Genetics (formerly Invitae), Labcorp
Classification: Likely pathogenic for Hereditary hemorrhagic telangiectasia. Last evaluated: 2023-03-10. Review status: criteria provided, single submitter. Criteria: Invitae Variant Classification Sherloc (09022015). Collection method: clinical testing. Allele origin: germline.
Comment: This variant disrupts the p.Val236 amino acid residue in ENG. Other variant(s) that disrupt this residue have been determined to be pathogenic (Invitae). This suggests that this residue is clinically significant, and that variants that disrupt this residue are likely to be disease-causing. This sequence change replaces valine, which is neutral and non-polar, with methionine, which is neutral and non-polar, at codon 236 of the ENG protein (p.Val236Met). This variant is present in population databases (rs754136153, gnomAD 0.003%). This missense change has been observed in individual(s) with clinical features of hereditary hemorrhagic telangiectasia (HHT) (PMID: 20414677). ClinVar contains an entry for this variant (Variation ID: 1925043). Advanced modeling of protein sequence and biophysical properties (such as structural, functional, and spatial information, amino acid conservation, physicochemical variation, residue mobility, and thermodynamic stability) performed at Invitae indicates that this missense variant is expected to disrupt ENG protein function. In summary, the currently available evidence indicates that the variant is pathogenic, but additional data are needed to prove that conclusively. Therefore, this variant has been classified as Likely Pathogenic.

Literature cited by the submitters: PubMed 20414677.

NM_001114753.3(ENG):c.706G>A (p.Val236Met)

Gene: ENG (endoglin; minus strand). Cytogenetic location: 9q34.11.
Variant type: single nucleotide variant.
Coding change: c.706G>A on transcript NM_001114753.3 (MANE Select); coding-DNA position 706, G replaced by A.
Protein change: p.Val236Met; replaces valine 236 with methionine.
Molecular consequence: missense variant.
Genome position (GRCh38, 1-based): chr9:127,825,341, C>T on the plus strand (G>A on the coding strand, the complement: ENG is on the minus strand). VCF-style: chr9-127825341-C-T. GRCh37 (hg19) VCF-style: chr9-130587620-C-T.
Other names: c.706G>A, p.Val236Met (NM_000118.4, NM_001406715.1); c.160G>A, p.Val54Met (NM_001278138.2); short protein forms V236M, V54M.
Identifiers: ClinVar variation 1925043 (VCV001925043.5), dbSNP rs754136153, ClinGen allele CA5253007.